The following is an entry in ClinVar:

ClinVar aggregate classification (germline): Benign/Likely benign. Review status: criteria provided, multiple submitters, no conflicts (2 of 4 stars). 3 submissions from 3 submitters: Benign (1); Likely benign (2). Last evaluated 2025-07-02.

Conditions:
Familial cancer of breast. Also called: BREAST CANCER, FAMILIAL; hereditary breast carcinoma; Hereditary breast cancer. Identifiers: Orphanet 227535, MedGen C0346153, MONDO:0016419, OMIM 114480. Disease mechanism: loss of function.
Hereditary cancer-predisposing syndrome. Also called: Hereditary neoplastic syndrome; Neoplastic Syndromes, Hereditary; Tumor predisposition; Hereditary Cancer Syndrome. Identifiers: Orphanet 140162, MedGen C0027672, MeSH D009386, MONDO:0015356.

Allele frequency attached by ClinVar (database versions not stated): gnomAD 0.00001; 1000 Genomes Project 30x 0.00016; 1000 Genomes Project 0.00020.
gnomAD v4.1: 1 of 1,611,604 alleles (0.000062%); highest among the groups gnomAD compares: African/African-American, 0.0013%; no homozygotes.

Submissions (3):

Labcorp Genetics (formerly Invitae), Labcorp
Classification: Likely benign for Familial cancer of breast. Last evaluated: 2025-07-02. Review status: criteria provided, single submitter. Criteria: Invitae Variant Classification Sherloc (09022015). Collection method: clinical testing. Allele origin: germline.

Myriad Genetics, Inc.
Classification: Benign for Familial cancer of breast. Last evaluated: 2024-07-19. Review status: criteria provided, single submitter. Criteria: Myriad Autosomal Dominant, Autosomal Recessive and X-Linked Classification Criteria (2023). Collection method: clinical testing. Allele origin: unknown.
Comment: This variant is considered benign. This variant is a silent/synonymous amino acid change and it is not expected to impact splicing.

Ambry Genetics
Classification: Likely benign for Hereditary cancer-predisposing syndrome. Last evaluated: 2020-09-30. Review status: criteria provided, single submitter. Criteria: Ambry Variant Classification Scheme 2023. Collection method: clinical testing. Allele origin: germline.

NM_000465.4(BARD1):c.390A>G (p.Lys130=)

Gene: BARD1 (BRCA1 associated RING domain 1; minus strand). Cytogenetic location: 2q35.
Variant type: single nucleotide variant.
Coding change: c.390A>G on transcript NM_000465.4 (MANE Select); coding-DNA position 390, A replaced by G.
Protein change: p.Lys130=; no amino-acid change (lysine 130 retained).
Molecular consequence: synonymous variant. On other transcripts: non-coding transcript variant (2), intron variant (3).
Genome position (GRCh38, 1-based): chr2:214,781,484, T>C on the plus strand (A>G on the coding strand, the complement: BARD1 is on the minus strand). VCF-style: chr2-214781484-T-C. GRCh37 (hg19) VCF-style: chr2-215646208-T-C.
Other names: c.333A>G, p.Lys111= (NM_001282543.2); c.158+27928A>G (NM_001282548.2); c.215+15577A>G (NM_001282545.2); c.364+10813A>G (NM_001282549.2).
Identifiers: ClinVar variation 1125654 (VCV001125654.13), dbSNP rs554652893, ClinGen allele CA64789243.
Genomic context (GRCh38, chr2:214,781,484, plus strand): 5'-TCGAGGGCTAAACCACATTTTAATTGAATTCTTCTTGTTTCCTGCATCATTAAACAAACT[T>C]TTCCTAGGTTTATCTTCTTTCAAATCTGACAGAAAAAAAGAAAAAGAAATCTGTTACATG-3'
Protein context (NP_000456.2, residues 120-140): LSDLKEDKPR[Lys130=]SLFNDAGNKK